The following is an entry in ClinVar:

NM_001868.4(CPA1):c.335G>A (p.Arg112His)

Gene: CPA1 (carboxypeptidase A1; plus strand). Cytogenetic location: 7q32.2.
Variant type: single nucleotide variant.
Coding change: c.335G>A on transcript NM_001868.4 (MANE Select); coding-DNA position 335, G replaced by A.
Protein change: p.Arg112His; replaces arginine 112 with histidine.
Molecular consequence: missense variant.
Genome position (GRCh38, 1-based): chr7:130,381,817, G>A. VCF-style: chr7-130381817-G-A. GRCh37 (hg19) VCF-style: chr7-130021658-G-A.
Other names: short protein forms R112H.
Identifiers: ClinVar variation 4233091 (VCV004233091.1).

ClinVar aggregate classification (germline): Uncertain significance (1 of 4 stars; one submission).

Conditions:
Hereditary pancreatitis (PCTT). Also called: Hereditary chronic pancreatitis; PRSS1-Related Hereditary Pancreatitis. Identifiers: Orphanet 676, MedGen C0238339, MONDO:0008185, OMIM 167800.

Submission:

Ambry Genetics
Classification: Uncertain significance for Hereditary pancreatitis. Last evaluated: 2025-07-15. Review status: criteria provided, single submitter. Criteria: Ambry Variant Classification Scheme 2023. Collection method: clinical testing. Allele origin: germline.
Comment: The p.R112H variant (also known as c.335G>A), located in coding exon 3 of the CPA1 gene, results from a G to A substitution at nucleotide position 335. The arginine at codon 112 is replaced by histidine, an amino acid with highly similar properties. This amino acid position is conserved. In addition, this alteration is predicted to be tolerated by in silico analysis. Based on the available evidence, the clinical significance of this variant remains unclear.